The following is an entry in ClinVar:

ClinVar aggregate classification (germline): Likely pathogenic (1 of 4 stars; one submission).

Conditions:
Stickler syndrome type 1 (STL1). Also called: ARTHROOPHTHALMOPATHY, HEREDITARY PROGRESSIVE; STICKLER SYNDROME, MEMBRANOUS VITREOUS TYPE; STICKLER SYNDROME, VITREOUS TYPE 1; COL2A1-Related Stickler Syndrome. Identifiers: Orphanet 828, Orphanet 90653, MedGen C2020284, MONDO:0007160, OMIM 108300.

Submission:

MGZ Medical Genetics Center
Classification: Likely pathogenic for Stickler syndrome type 1. Last evaluated: 2022-01-21. Review status: criteria provided, single submitter. Criteria: ACMG Guidelines, 2015. Collection method: clinical testing. Allele origin: germline. Affected: yes. Observed: 1 variant allele.
Comment: ACMG criteria applied: PVS1, PM2_SUP

NM_001844.5(COL2A1):c.1064del (p.Pro355fs)

Gene: COL2A1 (collagen type II alpha 1 chain; minus strand). Cytogenetic location: 12q13.11.
Variant type: Deletion.
Coding change: c.1064del on transcript NM_001844.5 (MANE Select); coding-DNA position 1064, one base deleted (C; older notation c.1064delC).
Protein change: p.Pro355fs; shifts the reading frame from proline 355.
Molecular consequence: frameshift variant.
Genome position (GRCh38, 1-based): chr12:47,989,765, G deleted on the plus strand (C on the coding strand, the reverse complement: COL2A1 is on the minus strand); the first of 2 consecutive G bases (chr12:47,989,765-47,989,766); deleting either gives the same sequence. VCF-style (leftmost placement, unchanged base first): chr12-47989764-AG-A. GRCh37 (hg19) VCF-style: chr12-48383547-AG-A.
Other names: c.857del, p.Pro286fs (NM_033150.3); short protein forms P286fs, P355fs.
Identifiers: ClinVar variation 1710056 (VCV001710056.2), dbSNP rs2540158867, ClinGen allele CA2580085547.